The following is an entry in ClinVar:

NM_001040108.2(MLH3):c.3219C>T (p.Asp1073=)

Gene: MLH3 (mutL homolog 3; minus strand). Cytogenetic location: 14q24.3.
Variant type: single nucleotide variant.
Coding change: c.3219C>T on transcript NM_001040108.2 (MANE Select); coding-DNA position 3219, C replaced by T.
Protein change: p.Asp1073=; no amino-acid change (aspartic acid 1073 retained).
Molecular consequence: synonymous variant.
Genome position (GRCh38, 1-based): chr14:75,046,437, G>A on the plus strand (C>T on the coding strand, the complement: MLH3 is on the minus strand). VCF-style: chr14-75046437-G-A. GRCh37 (hg19) VCF-style: chr14-75513140-G-A.
Other names: c.3219C>T, p.Asp1073= (NM_014381.3).
Identifiers: ClinVar variation 1729024 (VCV001729024.8), dbSNP rs1892225900, ClinGen allele CA487177221.
Genomic context (GRCh38, chr14:75,046,437, plus strand): 5'-ATTCTCAAGTACAACATCCACAGCCACAGTTGTCAGGTCTTTAGTACAAGCAGCCTGAAT[G>A]TCCTCAGTTGGGGCAATGAATGTGCTGAGTCCAGTCATTTTGTTGACATAAACCATTCTT-3'
Protein context (NP_001035197.1, residues 1063-1083): GLSTFIAPTE[Asp1073=]IQAACTKDLT

ClinVar aggregate classification (germline): Benign/Likely benign. Review status: criteria provided, multiple submitters, no conflicts (2 of 4 stars). 3 submissions from 3 submitters: Benign (1); Likely benign (2). Last evaluated 2026-09-22.

Conditions:
Colorectal cancer, hereditary nonpolyposis, type 7. Identifiers: Orphanet 144, MedGen C1858380, MONDO:0013725, OMIM 614385.

Allele frequency attached by ClinVar (database versions not stated): gnomAD exomes below 0.00001; TOPMed below 0.00001.
gnomAD v4.1: 3 of 1,614,168 alleles (0.00019%); highest among the groups gnomAD compares: Non-Finnish European, 0.00025%; no homozygotes.

Submissions (3):

Myriad Genetics, Inc.
Classification: Benign for Colorectal cancer, hereditary nonpolyposis, type 7. Last evaluated: 2026-09-22. Review status: criteria provided, single submitter. Criteria: Myriad Autosomal Dominant, Autosomal Recessive and X-Linked Classification Criteria (2023). Collection method: clinical testing. Allele origin: unknown.
Comment: This variant is considered benign. This variant is a silent/synonymous amino acid change and it is not expected to impact splicing.

Labcorp Genetics (formerly Invitae), Labcorp
Classification: Likely benign for Colorectal cancer, hereditary nonpolyposis, type 7. Last evaluated: 2022-05-28. Review status: criteria provided, single submitter. Criteria: Invitae Variant Classification Sherloc (09022015). Collection method: clinical testing. Allele origin: germline.

Ambry Genetics
Classification: Likely benign. Last evaluated: 2020-02-05. Review status: criteria provided, single submitter. Criteria: Ambry Variant Classification Scheme 2023. Collection method: clinical testing. Allele origin: germline.